The following is an entry in ClinVar:

NM_000212.3(ITGB3):c.760C>A (p.Gln254Lys)

Genes: ITGB3 (integrin subunit beta 3; plus strand), LOC130061044 (ATAC-STARR-seq lymphoblastoid active region 12308; plus strand). Cytogenetic location: 17q21.32.
Variant type: single nucleotide variant.
Coding change: c.760C>A on transcript NM_000212.3 (MANE Select); coding-DNA position 760, C replaced by A.
Protein change: p.Gln254Lys; replaces glutamine 254 with lysine.
Molecular consequence: missense variant.
Genome position (GRCh38, 1-based): chr17:47,286,405, C>A. VCF-style: chr17-47286405-C-A. GRCh37 (hg19) VCF-style: chr17-45363771-C-A.
Other names: short protein forms Q254K.
Identifiers: ClinVar variation 996175 (VCV000996175.3), dbSNP rs2065102917, ClinGen allele CA400023674.
Genomic context (GRCh38, chr17:47,286,405, plus strand): 5'-AAGAAGCAGAGTGTGTCACGGAACCGAGATGCCCCAGAGGGTGGCTTTGATGCCATCATG[C>A]AGGCTACAGTCTGTGATGTGAGTTTGGAGGACTTGGAGTGCCAGGTGTGGCTGGCATAGA-3'
Protein context (NP_000203.2, residues 244-264): APEGGFDAIM[Gln254Lys]ATVCDEKIGW

ClinVar aggregate classification (germline): Likely pathogenic (3 of 4 stars; one submission).

Conditions:
Glanzmann thrombasthenia. Also called: Glanzmann's thrombasthenia; PLATELET GLYCOPROTEIN IIb-IIIa DEFICIENCY; BLEEDING DISORDER, PLATELET-TYPE, 2; THROMBASTHENIA OF GLANZMANN AND NAEGELI; Thrombasthenia. Identifiers: Orphanet 849, MedGen C0040015, MONDO:0100326.

Submission:

ClinGen Platelet Disorders Variant Curation Expert Panel, ClinGen
Classification: Likely pathogenic for Glanzmann thrombasthenia. Last evaluated: 2023-12-19. Review status: reviewed by expert panel. Criteria: ClinGen Platelet ACMG Specifications v2-1. Collection method: curation. Allele origin: germline. Inheritance: Autosomal recessive inheritance.
Comment: The NM_000212.3(ITGB3):c.760C>A (p.Gln254Lys) missense variant is reported in at least 1 compound heterozygous GT proband as well as one additional affected family member (PMID: 31088191; PP1_supporting), with the likely pathogenic variant Cys549Ser (PM3). Platelet aggregation was absent or defective upon stimulation with physiological stimuli like AA and ADP, but platelets agglutinated near normal in response to ristocetin. Flow cytometric studies found reduced expression of αIIbβ3. Together this is highly specific for Glanzmann thrombasthenia (PP4_Moderate) It is absent from all population databases, including gnomAD (PM2_Supporting) and is predicted damaging by in-silico tools (REVEL score of 0.972; PP3). In summary, this variant meets criteria to be classified as Likely Pathogenic for GT. GT-specific criteria applied: PM2_Supporting, PM3, PP1, PP3, and PP4_Moderate.